The following is an entry in ClinVar:

NM_000492.4(CFTR):c.2189A>C (p.Glu730Ala)

Gene: CFTR (CF transmembrane conductance regulator; plus strand). Cytogenetic location: 7q31.2.
Variant type: single nucleotide variant.
Coding change: c.2189A>C on transcript NM_000492.4 (MANE Select); coding-DNA position 2189, A replaced by C.
Protein change: p.Glu730Ala; replaces glutamic acid 730 with alanine.
Molecular consequence: missense variant.
Genome position (GRCh38, 1-based): chr7:117,592,356, A>C. VCF-style: chr7-117592356-A-C. GRCh37 (hg19) VCF-style: chr7-117232410-A-C.
Other names: short protein forms E730A.
Identifiers: ClinVar variation 1787372 (VCV001787372.2), dbSNP rs2485110197, ClinGen allele CA368980334.

ClinVar aggregate classification (germline): Uncertain significance (1 of 4 stars; one submission).

Conditions:
Cystic fibrosis (CF). Also called: MUCOVISCIDOSIS. Identifiers: Orphanet 586, MedGen C0010674, MONDO:0009061, OMIM 219700. Disease mechanism: loss of function.

Submission:

Ambry Genetics
Classification: Uncertain significance for Cystic fibrosis. Last evaluated: 2022-07-26. Review status: criteria provided, single submitter. Criteria: Ambry Variant Classification Scheme 2023. Collection method: clinical testing. Allele origin: germline.
Comment: The p.E730A variant (also known as c.2189A>C), located in coding exon 14 of the CFTR gene, results from an A to C substitution at nucleotide position 2189. The glutamic acid at codon 730 is replaced by alanine, an amino acid with dissimilar properties. This amino acid position is conserved. In addition, the in silico prediction for this alteration is inconclusive. Since supporting evidence is limited at this time, the clinical significance of this alteration remains unclear.